The following is an entry in ClinVar:

ClinVar aggregate classification (germline): Benign (0 of 4 stars; one submission).

Conditions:
CHN2-related disorder. Also called: CHN2-related condition.

Allele frequency attached by ClinVar (database versions not stated): TOPMed 0.00028; gnomAD exomes 0.00011; 1000 Genomes Project 0.00080; gnomAD 0.00019; 1000 Genomes Project 30x 0.00094.
gnomAD v4.1: 189 of 1,550,408 alleles (0.012%); highest among the groups gnomAD compares: East Asian, 0.44%; 1 homozygote.

Submission:

PreventionGenetics, part of Exact Sciences
Classification: Benign for CHN2-related condition. Last evaluated: 2019-10-22. Review status: no assertion criteria provided. Collection method: clinical testing. Allele origin: germline.
Comment: This variant is classified as benign based on ACMG/AMP sequence variant interpretation guidelines (Richards et al. 2015 PMID: 25741868, with internal and published modifications).

NM_001398427.1(CHN2):c.-646G>A

Genes: CHN2 (chimerin 2; plus strand), CPVL (carboxypeptidase vitellogenic like; minus strand). Cytogenetic location: 7p14.3.
Variant type: single nucleotide variant.
Coding change: c.-646G>A on transcript NM_001398427.1; 646 bases upstream of the start codon, G replaced by A.
Molecular consequence: 5 prime UTR variant. On other transcripts: intron variant (15).
Genome position (GRCh38, 1-based): chr7:29,146,601, G>A. VCF-style: chr7-29146601-G-A. GRCh37 (hg19) VCF-style: chr7-29186217-G-A.
Other names: NM_001293069.1:c.18G>A; c.-71-25530C>T (NM_001371268.1); c.-10-25530C>T (NM_001371258.1, NM_001371256.1, NM_001371261.1 and 8 more transcripts); c.-364-25530C>T (NM_001371266.1); c.-496-25530C>T (NM_001371265.1); c.-337-25530C>T (NM_001371267.1).
Identifiers: ClinVar variation 3040110 (VCV003040110.2), dbSNP rs187292682, ClinGen allele CA156511903.